The following is an entry in ClinVar:

ClinVar aggregate classification (germline): Conflicting classifications of pathogenicity. Review status: criteria provided, conflicting classifications (1 of 4 stars). 7 submissions from 7 submitters: Uncertain significance (2); Likely benign (4). 1 of the submissions does not count toward it. Last evaluated 2025-09-24.

Conditions:
SMC3-related disorder. Also called: SMC3-related condition.
Cornelia de Lange syndrome 3 (CDLS3). Also called: SMC3-Related Cornelia de Lange Syndrome; CORNELIA DE LANGE SYNDROME 3 WITH OR WITHOUT MIDLINE BRAIN DEFECTS. Identifiers: Orphanet 199, MedGen C1853099, MONDO:0012555, OMIM 610759.

Allele frequency attached by ClinVar (database versions not stated): gnomAD exomes 0.00005 and 0.00012; ExAC 0.00010; TOPMed 0.00012; gnomAD 0.00013; 1000 Genomes Project 0.00060; 1000 Genomes Project 30x 0.00062.
gnomAD v4.1: 95 of 1,614,028 alleles (0.0059%); highest among the groups gnomAD compares: Admixed American, 0.035%; no homozygotes.

Submissions (7):

Labcorp Genetics (formerly Invitae), Labcorp
Classification: Likely benign for Cornelia de Lange syndrome 3. Last evaluated: 2025-09-24. Review status: criteria provided, single submitter. Criteria: Invitae Variant Classification Sherloc (09022015). Collection method: clinical testing. Allele origin: germline.

Laboratory of Genetics, Children's Clinical University Hospital Latvia
Classification: Likely benign. Last evaluated: 2025-02-16. Review status: criteria provided, single submitter. Criteria: ACMG Guidelines, 2015. Collection method: clinical testing. Allele origin: germline. Affected: yes.

Women's Health and Genetics/Laboratory Corporation of America, LabCorp
Classification: Uncertain significance. Last evaluated: 2024-11-20. Review status: criteria provided, single submitter. Criteria: LabCorp Variant Classification Summary - May 2015. Collection method: clinical testing. Allele origin: germline.
Comment: Variant summary: SMC3 c.2062G>C (p.Glu688Gln) results in a conservative amino acid change located in the RecF/RecN/SMC, N-terminal domain (IPR003395) of the encoded protein sequence. Four of five in-silico tools predict a benign effect of the variant on protein function. The variant allele was found at a frequency of 0.00012 in 251170 control chromosomes. This frequency is not significantly higher than estimated for a pathogenic variant in SMC3 causing Cornelia De Lange Syndrome 3, allowing no conclusion about variant significance. To our knowledge, no occurrence of c.2062G>C in individuals affected with Cornelia De Lange Syndrome 3 and no experimental evidence demonstrating its impact on protein function have been reported. ClinVar contains an entry for this variant (Variation ID: 298771). Based on the evidence outlined above, the variant was classified as uncertain significance.

Blueprint Genetics
Classification: Likely benign. Last evaluated: 2022-04-11. Review status: criteria provided, single submitter. Criteria: ACMG Guidelines, 2015. Collection method: clinical testing. Allele origin: germline.

GeneDx
Classification: Likely benign. Last evaluated: 2021-03-29. Review status: criteria provided, single submitter. Criteria: GeneDx Variant Classification Process June 2021. Collection method: clinical testing. Allele origin: germline. Affected: yes.
Comment: In silico analysis supports that this missense variant does not alter protein structure/function; In-silico analysis is inconclusive as to whether the variant alters gene splicing. In the absence of RNA/functional studies, the actual effect of this sequence change is unknown.

Illumina Laboratory Services, Illumina
Classification: Uncertain significance for Cornelia de Lange syndrome 3. Last evaluated: 2018-01-12. Review status: criteria provided, single submitter. Criteria: ICSL Variant Classification Criteria 13 December 2019. Collection method: clinical testing. Allele origin: germline.

PreventionGenetics, part of Exact Sciences
Classification: Likely benign for SMC3-related condition. Last evaluated: 2022-09-07. Review status: no assertion criteria provided. Collection method: clinical testing. Allele origin: germline. Not counted in ClinVar's aggregate classification.
Comment: This variant is classified as likely benign based on ACMG/AMP sequence variant interpretation guidelines (Richards et al. 2015 PMID: 25741868, with internal and published modifications).

Literature cited by the submitters: PubMed 26438361 (cited by Women's Health and Genetics/Laboratory Corporation of America, LabCorp); PubMed 22417201 (cited by Women's Health and Genetics/Laboratory Corporation of America, LabCorp); PubMed 24220272 (cited by Women's Health and Genetics/Laboratory Corporation of America, LabCorp); PubMed 24487413 (cited by Women's Health and Genetics/Laboratory Corporation of America, LabCorp); PubMed 24904756 (cited by Women's Health and Genetics/Laboratory Corporation of America, LabCorp); PubMed 24335498 (cited by Women's Health and Genetics/Laboratory Corporation of America, LabCorp); PubMed 25006131 (cited by Women's Health and Genetics/Laboratory Corporation of America, LabCorp).

NM_005445.4(SMC3):c.2062G>C (p.Glu688Gln)

Gene: SMC3 (structural maintenance of chromosomes 3; plus strand). Cytogenetic location: 10q25.2.
Variant type: single nucleotide variant.
Coding change: c.2062G>C on transcript NM_005445.4 (MANE Select); coding-DNA position 2062, G replaced by C.
Protein change: p.Glu688Gln; replaces glutamic acid 688 with glutamine.
Molecular consequence: missense variant.
Genome position (GRCh38, 1-based): chr10:110,596,496, G>C. VCF-style: chr10-110596496-G-C. GRCh37 (hg19) VCF-style: chr10-112356254-G-C.
Other names: short protein forms E688Q.
Identifiers: ClinVar variation 298771 (VCV000298771.20), dbSNP rs201162818, ClinGen allele CA5688100.
Genomic context (GRCh38, chr10:110,596,496, plus strand): 5'-TATTATGACACAAGGAAGTCTCGACTTGAATTGCAAAAAGATGTTAGAAAAGCAGAAGAA[G>C]AACTAGGTGAACTTGAAGCAAAGCTCAATGAAAACCTGCGCAGAAATATTGAAAATATCT-3'
Protein context (NP_005436.1, residues 678-698): LQKDVRKAEE[Glu688Gln]LGELEAKLNE